The following is an entry in ClinVar:

ClinVar aggregate classification (germline): Uncertain significance (1 of 4 stars; one submission).

Conditions:
Familial episodic pain syndrome with predominantly upper body involvement. Also called: Familial episodic pain syndrome 1. Identifiers: Orphanet 391384, Orphanet 391389, MedGen C3808667, MONDO:0014021, OMIM 615040.

Allele frequency attached by ClinVar (database versions not stated): gnomAD exomes below 0.00001 and 0.00002; gnomAD 0.00001; TOPMed 0.00002.
gnomAD v4.1: 25 of 1,599,504 alleles (0.0016%); highest among the groups gnomAD compares: Non-Finnish European, 0.002%; no homozygotes.

Submission:

Centre for Mendelian Genomics, University Medical Centre Ljubljana
Classification: Uncertain significance for Familial episodic pain syndrome with predominantly upper body involvement. Last evaluated: 2019-08-29. Review status: criteria provided, single submitter. Criteria: ACMG Guidelines, 2015. Collection method: clinical testing. Allele origin: unknown. Affected: yes.
Comment: This variant was classified as: Uncertain significance. The available evidence on this variant's pathogenicity is insufficient or conflicting. The following ACMG criteria were applied in classifying this variant: BP4.

NM_007332.3(TRPA1):c.2366C>T (p.Ala789Val)

Genes: MSC-AS1 (MSC antisense RNA 1; plus strand), TRPA1 (transient receptor potential cation channel subfamily A member 1; minus strand). Cytogenetic location: 8q21.11.
Variant type: single nucleotide variant.
Coding change: c.2366C>T on transcript NM_007332.3 (MANE Select); coding-DNA position 2366, C replaced by T.
Protein change: p.Ala789Val; replaces alanine 789 with valine.
Molecular consequence: missense variant.
Genome position (GRCh38, 1-based): chr8:72,038,002, G>A on the plus strand (C>T on the coding strand, the complement: TRPA1 is on the minus strand). VCF-style: chr8-72038002-G-A. GRCh37 (hg19) VCF-style: chr8-72950237-G-A.
Other names: short protein forms A789V.
Identifiers: ClinVar variation 930526 (VCV000930526.3), dbSNP rs1193285296, ClinGen allele CA371474037.